The following is an entry in ClinVar:

NM_017636.4(TRPM4):c.1494_1520del (p.Pro500_Arg508del)

Gene: TRPM4 (transient receptor potential cation channel subfamily M member 4; plus strand). Cytogenetic location: 19q13.33.
Variant type: Deletion.
Coding change: c.1494_1520del on transcript NM_017636.4 (MANE Select); coding-DNA positions 1494 to 1520, 27 bases deleted (CCGGCCCCCTGACGTGGGGCATGTGCT).
Protein change: p.Pro500_Arg508del.
Molecular consequence: inframe deletion. On other transcripts: 5 prime UTR variant (1).
Genome position (GRCh38, 1-based): chr19:49,182,808-49,182,834, CCGGCCCCCTGACGTGGGGCATGTGCT deleted; deleting any 27 consecutive bases within chr19:49,182,805-49,182,834 gives the same sequence; the c. name uses the placement nearest the transcript's 3' end. VCF-style (leftmost placement, unchanged base first): chr19-49182804-AGCTCCGGCCCCCTGACGTGGGGCATGT-A. GRCh37 (hg19) VCF-style: chr19-49686061-AGCTCCGGCCCCCTGACGTGGGGCATGT-A.
Other names: c.1494_1520del, p.Pro500_Arg508del (NM_001195227.2); c.1149_1175del, p.Pro385_Arg393del (NM_001321281.2); c.-60_-34del (NM_001321282.2); c.972_998del, p.Pro326_Arg334del (NM_001321283.2); c.432_458del, p.Pro146_Arg154del (NM_001321285.2).
Identifiers: ClinVar variation 1353247 (VCV001353247.6), dbSNP rs1439786104, ClinGen allele CA883082516.

ClinVar aggregate classification (germline): Uncertain significance (1 of 4 stars; one submission).

Conditions:
Progressive familial heart block type IB (PFHB1B). Identifiers: Orphanet 871, MedGen C1970298, MONDO:0011474, OMIM 604559.

Submission:

Labcorp Genetics (formerly Invitae), Labcorp
Classification: Uncertain significance for Progressive familial heart block type IB. Last evaluated: 2021-11-10. Review status: criteria provided, single submitter. Criteria: Invitae Variant Classification Sherloc (09022015). Collection method: clinical testing. Allele origin: germline.
Comment: Experimental studies and prediction algorithms are not available or were not evaluated, and the functional significance of this variant is currently unknown. This variant has not been reported in the literature in individuals affected with TRPM4-related conditions. This variant is not present in population databases (gnomAD no frequency). This variant, c.1494_1520del, results in the deletion of 9 amino acid(s) of the TRPM4 protein (p.Pro500_Arg508del), but otherwise preserves the integrity of the reading frame. In summary, the available evidence is currently insufficient to determine the role of this variant in disease. Therefore, it has been classified as a Variant of Uncertain Significance.